The following is an entry in ClinVar:

NM_031372.4(HNRNPDL):c.1021+6A>G

Gene: HNRNPDL (heterogeneous nuclear ribonucleoprotein D like; minus strand). Cytogenetic location: 4q21.22.
Variant type: single nucleotide variant.
Coding change: c.1021+6A>G on transcript NM_031372.4 (MANE Select); 6 bases into the intron after coding-DNA position 1021, A replaced by G.
Molecular consequence: intron variant.
Genome position (GRCh38, 1-based): chr4:82,427,184, T>C on the plus strand (A>G on the coding strand, the complement: HNRNPDL is on the minus strand). VCF-style: chr4-82427184-T-C. GRCh37 (hg19) VCF-style: chr4-83348337-T-C.
Other names: c.1021+6A>G (NM_001207000.1).
Identifiers: ClinVar variation 654247 (VCV000654247.9), dbSNP rs369035855, ClinGen allele CA2984806.

ClinVar aggregate classification (germline): Uncertain significance (1 of 4 stars; one submission).

Conditions:
Autosomal dominant limb-girdle muscular dystrophy type 1G (LGMDD3). Also called: Limb-girdle muscular dystrophy, type 1G; MUSCULAR DYSTROPHY, LIMB-GIRDLE, AUTOSOMAL DOMINANT 3. Identifiers: Orphanet 55596, MedGen C1836765, MONDO:0012193, OMIM 609115.

Allele frequency attached by ClinVar (database versions not stated): gnomAD 0.00001; gnomAD exomes 0.00001 and 0.00003; ExAC 0.00002; TOPMed 0.00002.
gnomAD v4.1: 19 of 1,568,142 alleles (0.0012%); highest among the groups gnomAD compares: East Asian, 0.0067%; no homozygotes.

Submission:

Labcorp Genetics (formerly Invitae), Labcorp
Classification: Uncertain significance for Autosomal dominant limb-girdle muscular dystrophy type 1G. Last evaluated: 2026-01-21. Review status: criteria provided, single submitter. Criteria: Invitae Variant Classification Sherloc (09022015). Collection method: clinical testing. Allele origin: germline.
Comment: This sequence change falls in intron 5 of the HNRNPDL gene. It does not directly change the encoded amino acid sequence of the HNRNPDL protein. It affects a nucleotide within the consensus splice site. This variant is present in population databases (rs369035855, gnomAD 0.01%). This variant has not been reported in the literature in individuals affected with HNRNPDL-related conditions. ClinVar contains an entry for this variant (Variation ID: 654247). Variants that disrupt the consensus splice site are a relatively common cause of aberrant splicing (PMID: 17576681, 9536098). Algorithms developed to predict the effect of sequence changes on RNA splicing suggest that this variant is not likely to affect RNA splicing. In summary, the available evidence is currently insufficient to determine the role of this variant in disease. Therefore, it has been classified as a Variant of Uncertain Significance.

Literature cited by the submitters: PubMed 17576681; PubMed 9536098.